The following is an entry in ClinVar:

ClinVar aggregate classification (germline): Uncertain significance. Review status: criteria provided, multiple submitters, no conflicts (2 of 4 stars). 2 submissions from 2 submitters: Uncertain significance (2). Last evaluated 2023-04-08.

Conditions:
Inborn genetic diseases. Identifiers: MedGen C0950123, MeSH D030342.

Submissions (2):

Labcorp Genetics (formerly Invitae), Labcorp
Classification: Uncertain significance. Last evaluated: 2023-04-08. Review status: criteria provided, single submitter. Criteria: Invitae Variant Classification Sherloc (09022015). Collection method: clinical testing. Allele origin: germline.
Comment: In summary, the available evidence is currently insufficient to determine the role of this variant in disease. Therefore, it has been classified as a Variant of Uncertain Significance. Advanced modeling of protein sequence and biophysical properties (such as structural, functional, and spatial information, amino acid conservation, physicochemical variation, residue mobility, and thermodynamic stability) performed at Invitae indicates that this missense variant is not expected to disrupt ATP1A1 protein function. ClinVar contains an entry for this variant (Variation ID: 2235961). This variant has not been reported in the literature in individuals affected with ATP1A1-related conditions. This variant is present in population databases (no rsID available, gnomAD 0.01%). This sequence change replaces arginine, which is basic and polar, with cysteine, which is neutral and slightly polar, at codon 7 of the ATP1A1 protein (p.Arg7Cys).

Ambry Genetics
Classification: Uncertain significance for Inborn genetic diseases. Last evaluated: 2021-07-09. Review status: criteria provided, single submitter. Criteria: Ambry Variant Classification Scheme 2023. Collection method: clinical testing. Allele origin: germline.

NM_000701.8(ATP1A1):c.19C>T (p.Arg7Cys)

Gene: ATP1A1 (ATPase Na+/K+ transporting subunit alpha 1; plus strand). Cytogenetic location: 1p13.1.
Variant type: single nucleotide variant.
Coding change: c.19C>T on transcript NM_000701.8 (MANE Select); coding-DNA position 19, C replaced by T.
Protein change: p.Arg7Cys; replaces arginine 7 with cysteine.
Molecular consequence: missense variant. On other transcripts: 5 prime UTR variant (1).
Genome position (GRCh38, 1-based): chr1:116,384,020, C>T. VCF-style: chr1-116384020-C-T. GRCh37 (hg19) VCF-style: chr1-116926642-C-T.
Other names: c.19C>T, p.Arg7Cys (NM_001160233.2); c.-75C>T (NM_001160234.2); short protein forms R7C.
Identifiers: ClinVar variation 2235961 (VCV002235961.5), dbSNP rs1429384765, ClinGen allele CA341840172.